The following is an entry in ClinVar:

ClinVar aggregate classification (germline): Uncertain significance (1 of 4 stars; one submission).

Conditions:
3-methylglutaconic aciduria type 5. Also called: MGA, TYPE V; CARDIOMYOPATHY, DILATED, WITH ATAXIA; 3 alpha methylglutaconic aciduria type V; MGA 5. Identifiers: Orphanet 66634, MedGen C1857776, MONDO:0012435, OMIM 610198.

Submission:

Labcorp Genetics (formerly Invitae), Labcorp
Classification: Uncertain significance for 3-methylglutaconic aciduria type 5. Last evaluated: 2022-06-10. Review status: criteria provided, single submitter. Criteria: Invitae Variant Classification Sherloc (09022015). Collection method: clinical testing. Allele origin: germline.
Comment: Variants that disrupt the consensus splice site are a relatively common cause of aberrant splicing (PMID: 17576681, 9536098). Algorithms developed to predict the effect of sequence changes on RNA splicing suggest that this variant may disrupt the consensus splice site. This variant has not been reported in the literature in individuals affected with DNAJC19-related conditions. This variant is not present in population databases (gnomAD no frequency). This sequence change falls in intron 5 of the DNAJC19 gene. It does not directly change the encoded amino acid sequence of the DNAJC19 protein. It affects a nucleotide within the consensus splice site. In summary, the available evidence is currently insufficient to determine the role of this variant in disease. Therefore, it has been classified as a Variant of Uncertain Significance.

Literature cited by the submitters: PubMed 17576681; PubMed 9536098.

NM_145261.4(DNAJC19):c.280+4_280+7del

Gene: DNAJC19 (DnaJ heat shock protein family (Hsp40) member C19; minus strand). Cytogenetic location: 3q26.33.
Variant type: Deletion.
Coding change: c.280+4_280+7del on transcript NM_145261.4 (MANE Select); bases 4 to 7 of the intron after coding-DNA position 280, 4 bases deleted (AGTA; older notation c.280+4_280+7delAGTA).
Molecular consequence: splice donor variant.
Genome position (GRCh38, 1-based): chr3:180,985,919-180,985,922, TACT deleted on the plus strand (AGTA on the coding strand, the reverse complement: DNAJC19 is on the minus strand); deleting any 4 consecutive bases within chr3:180,985,919-180,985,925 gives the same sequence; the c. name uses the placement nearest the transcript's 3' end. VCF-style (leftmost placement, unchanged base first): chr3-180985918-CTACT-C. GRCh37 (hg19) VCF-style: chr3-180703706-CTACT-C.
Other names: c.205+4_205+7del (NM_001190233.2).
Identifiers: ClinVar variation 1978111 (VCV001978111.5), dbSNP rs1714878566, ClinGen allele CA1424459817.